The following is an entry in ClinVar:

NM_000719.7(CACNA1C):c.803T>C (p.Leu268Pro)

Gene: CACNA1C (calcium voltage-gated channel subunit alpha1 C; plus strand). Cytogenetic location: 12p13.33.
Variant type: single nucleotide variant.
Coding change: c.803T>C on transcript NM_000719.7 (MANE Select); coding-DNA position 803, T replaced by C.
Protein change: p.Leu268Pro; replaces leucine 268 with proline.
Molecular consequence: missense variant.
Genome position (GRCh38, 1-based): chr12:2,486,149, T>C. VCF-style: chr12-2486149-T-C. GRCh37 (hg19) VCF-style: chr12-2595315-T-C.
Other names: c.803T>C, p.Leu268Pro (NM_001129827.2, NM_001129829.2, NM_001129830.3 and 19 more transcripts); short protein forms L268P.
Identifiers: ClinVar variation 3252392 (VCV003252392.1), dbSNP rs2502984073.

ClinVar aggregate classification (germline): Uncertain significance (1 of 4 stars; one submission).

Submission:

GeneDx
Classification: Uncertain significance. Last evaluated: 2023-12-06. Review status: criteria provided, single submitter. Criteria: GeneDx Variant Classification Process June 2021. Collection method: clinical testing. Allele origin: germline. Affected: yes.
Comment: Not observed at significant frequency in large population cohorts (gnomAD); In silico analysis supports that this missense variant has a deleterious effect on protein structure/function; Has not been previously published as pathogenic or benign to our knowledge